The following is an entry in ClinVar:

ClinVar aggregate classification (germline): Uncertain significance (1 of 4 stars; one submission).

Conditions:
Hearing loss, autosomal recessive 119. Also called: DEAFNESS, AUTOSOMAL RECESSIVE 119. Identifiers: MedGen C5562023, MONDO:0030480, OMIM 619615.
Neurodevelopmental disorder with hearing loss and spasticity. Identifiers: Orphanet 659975, MedGen C5562024, MONDO:0859206, OMIM 619616.

Submission:

Juno Genomics, Hangzhou Juno Genomics, Inc
Classification: Uncertain significance for Hearing loss, autosomal recessive 119; Neurodevelopmental disorder with hearing loss and spasticity. Review status: criteria provided, single submitter. Criteria: ACMG Guidelines, 2015. Collection method: clinical testing. Allele origin: germline.
Comment: Absent from controls (or at extremely low frequency if recessive) in Genome Aggregation Database.;Multiple lines of computational evidence support a deleterious effect on the gene or gene product.

NM_024063.3(AFG2B):c.2084T>C (p.Leu695Pro)

Gene: AFG2B (AAA ATPase AFG2B; plus strand). Cytogenetic location: 15q21.1.
Variant type: single nucleotide variant.
Coding change: c.2084T>C on transcript NM_024063.3 (MANE Select); coding-DNA position 2084, T replaced by C.
Protein change: p.Leu695Pro; replaces leucine 695 with proline.
Molecular consequence: missense variant. On other transcripts: non-coding transcript variant (5).
Genome position (GRCh38, 1-based): chr15:45,418,672, T>C. VCF-style: chr15-45418672-T-C. GRCh37 (hg19) VCF-style: chr15-45710870-T-C.
Other names: short protein forms L695P.
Identifiers: ClinVar variation 5005419 (VCV005005419.2).